The following is an entry in ClinVar:

ClinVar aggregate classification (germline): Pathogenic (1 of 4 stars; one submission).

Submission:

GeneDx
Classification: Pathogenic. Last evaluated: 2017-11-02. Review status: criteria provided, single submitter. Criteria: GeneDx Variant Classification (06012015). Collection method: clinical testing. Allele origin: germline. Affected: yes.
Comment: The c.1392_1402dup11 pathogenic variant in the ARID1B gene has not been reported previously as a pathogenic variant, nor as a benign variant, to our knowledge. The c.1392_1402dup11 variant causes a frameshift starting with codon Glutamine 468, changes this amino acid to a Arginine residue, and creates a premature Stop codon at position 38 of the new reading frame, denoted p.Gln468ArgfsX38. This variant is predicted to cause loss of normal protein function either through protein truncation or nonsense-mediated mRNA decay. The c.1392_1402dup11 variant is not observed in large population cohorts (Lek et al., 2016). We interpret c.1392_1402dup11 as a pathogenic variant.

NM_001374828.1(ARID1B):c.1641_1651dup (p.Gln551fs)

Gene: ARID1B (AT-rich interaction domain 1B; plus strand). Cytogenetic location: 6q25.3.
Variant type: Duplication.
Coding change: c.1641_1651dup on transcript NM_001374828.1 (MANE Select); coding-DNA positions 1641 to 1651, 11 bases duplicated (GGGCGGCCAGC).
Protein change: p.Gln551fs; shifts the reading frame from glutamine 551.
Molecular consequence: frameshift variant.
Genome position (GRCh38, 1-based): chr6:156,779,321-156,779,331, GGGCGGCCAGC duplicated; duplicating any 11 consecutive bases within chr6:156,779,319-156,779,331 gives the same sequence; the c. name uses the placement nearest the transcript's 3' end. VCF-style (leftmost placement, unchanged base first): chr6-156779318-G-GGCGGGCGGCCA. GRCh37 (hg19) VCF-style: chr6-157100452-G-GGCGGGCGGCCA.
Other names: c.1392_1402dupGGGCGGCCAGC (NM_020732.3); c.1641_1651dup, p.Gln551fs (NM_001371656.1, NM_001374820.1, NM_017519.3); short protein forms Q551fs.
Identifiers: ClinVar variation 452956 (VCV000452956.2), dbSNP rs1131691706, ClinGen allele CA658657638.
Genomic context (GRCh38, chr6:156,779,318, plus strand): 5'-CAGCGCGCCGCCGCCGCCGCCGTCGCAGCCCCAGTCCCAGGCGGCGGCGGCGGGGGCGGC[G>GGCGGGCGGCCA]GCGGGCGGCCAGCAGGCGGCCGCGGGCATGGGCTTGGGCAAGGACATGGGCGCCCAGTAC-3'